The following is an entry in ClinVar:

ClinVar aggregate classification (germline): Likely benign. Review status: criteria provided, multiple submitters, no conflicts (2 of 4 stars). 2 submissions from 2 submitters: Likely benign (2). Last evaluated 2025-11-18.

Conditions:
Benign neonatal seizures. Also called: Convulsions benign familial neonatal dominant form; Autosomal dominant form of benign neonatal seizures; Benign familial neonatal seizures; Benign neonatal familial convulsions; Benign familial neonatal epilepsy. Identifiers: Orphanet 1949, MedGen C0220669, MONDO:0016027.

Allele frequency attached by ClinVar (database versions not stated): gnomAD 0.00001; ExAC 0.00002; gnomAD exomes 0.00002 and 0.00004; TOPMed 0.00003.
gnomAD v4.1: 52 of 1,597,206 alleles (0.0033%); highest among the groups gnomAD compares: South Asian, 0.012%; no homozygotes.

Submissions (2):

Labcorp Genetics (formerly Invitae), Labcorp
Classification: Likely benign for Benign neonatal seizures. Last evaluated: 2025-11-18. Review status: criteria provided, single submitter. Criteria: Invitae Variant Classification Sherloc (09022015). Collection method: clinical testing. Allele origin: germline.

GeneDx
Classification: Likely benign. Last evaluated: 2016-05-16. Review status: criteria provided, single submitter. Criteria: GeneDx Variant Classification (06012015). Collection method: clinical testing. Allele origin: germline. Affected: yes.
Comment: This variant is considered likely benign or benign based on one or more of the following criteria: it is a conservative change, it occurs at a poorly conserved position in the protein, it is predicted to be benign by multiple in silico algorithms, and/or has population frequency not consistent with disease.

NM_004519.4(KCNQ3):c.1800-13C>T

Gene: KCNQ3 (potassium voltage-gated channel subfamily Q member 3; minus strand). Cytogenetic location: 8q24.22.
Variant type: single nucleotide variant.
Coding change: c.1800-13C>T on transcript NM_004519.4 (MANE Select); 13 bases into the intron before coding-DNA position 1800, C replaced by T.
Molecular consequence: intron variant.
Genome position (GRCh38, 1-based): chr8:132,132,277, G>A on the plus strand (C>T on the coding strand, the complement: KCNQ3 is on the minus strand). VCF-style: chr8-132132277-G-A. GRCh37 (hg19) VCF-style: chr8-133144524-G-A.
Other names: c.1440-13C>T (NM_001204824.2).
Identifiers: ClinVar variation 386122 (VCV000386122.8), dbSNP rs772137862, ClinGen allele CA4880577.